The following is an entry in ClinVar:

NC_000019.9:g.(?_48337701)_(48339671_?)dup

Gene: CRX (cone-rod homeobox; plus strand). Cytogenetic location: 19q13.33.
Variant type: Duplication.
Identifiers: ClinVar variation 1431678 (VCV001431678.4).

ClinVar aggregate classification (germline): Uncertain significance (1 of 4 stars; one submission).

Conditions:
Cone-rod dystrophy 2 (CORD2). Also called: CONE-ROD RETINAL DYSTROPHY; Cone-rod retinal dystrophy 2. Identifiers: Orphanet 1872, MedGen C3489532, MONDO:0007362, OMIM 120970.
Leber congenital amaurosis 7 (LCA7). Identifiers: Orphanet 65, MedGen C3151192, MONDO:0013449, OMIM 613829.

Submission:

Labcorp Genetics (formerly Invitae), Labcorp
Classification: Uncertain significance for Cone-rod dystrophy 2; Leber congenital amaurosis 7. Last evaluated: 2021-10-05. Review status: criteria provided, single submitter. Criteria: Invitae Variant Classification Sherloc (09022015). Collection method: clinical testing. Allele origin: germline.
Comment: This variant results in a copy number gain of the genomic region encompassing exon(s) 2-3 of the CRX gene. This region includes the initiator codon of the gene. This copy number gain extends beyond the assayed region for this gene and therefore may encompass additional genes. As the precise location of this event is unknown, it may be in tandem or it may be located elsewhere in the genome. In summary, the available evidence is currently insufficient to determine the role of this variant in disease. Therefore, it has been classified as a Variant of Uncertain Significance. Experimental studies and prediction algorithms are not available or were not evaluated, and the functional significance of this variant is currently unknown. This variant has not been reported in the literature in individuals affected with CRX-related conditions.